The following is an entry in ClinVar:

NM_024649.5(BBS1):c.274T>C (p.Phe92Leu)

Gene: BBS1 (Bardet-Biedl syndrome 1; plus strand). Cytogenetic location: 11q13.2.
Variant type: single nucleotide variant.
Coding change: c.274T>C on transcript NM_024649.5 (MANE Select); coding-DNA position 274, T replaced by C.
Protein change: p.Phe92Leu; replaces phenylalanine 92 with leucine.
Molecular consequence: missense variant.
Genome position (GRCh38, 1-based): chr11:66,514,520, T>C. VCF-style: chr11-66514520-T-C. GRCh37 (hg19) VCF-style: chr11-66281991-T-C.
Other names: c.274T>C (NM_024649.4); short protein forms F92L.
Identifiers: ClinVar variation 1058044 (VCV001058044.6), dbSNP rs778339359, ClinGen allele CA6123298.
Genomic context (GRCh38, chr11:66,514,520, plus strand): 5'-AAAGGACCACTGGTGATGACCGAAAGCCCGCTACCTGCTCTGCCAGCTGCTGCTGCCACC[T>C]TCCTCATGGAGCAACATGAGCCCCGGACCCCAGCTCTGGCACTTGCTTCAGGCCCTTGTG-3'
Protein context (NP_078925.3, residues 82-102): LPALPAAAAT[Phe92Leu]LMEQHEPRTP

ClinVar aggregate classification (germline): Uncertain significance. Review status: criteria provided, single submitter (1 of 4 stars). 3 submissions from 3 submitters: Uncertain significance (1). 2 of the submissions do not count toward it. Last evaluated 2024-02-24.

Conditions:
Bardet-Biedl syndrome (BBS). Identifiers: Orphanet 110, MedGen C0752166, MONDO:0015229.
Bardet-Biedl syndrome 1 (BBS1). Identifiers: MedGen C2936862, MONDO:0008854, OMIM 209900. Disease mechanism: loss of function.
BBS1-related disorder. Also called: BBS1-related condition.

Allele frequency attached by ClinVar (database versions not stated): gnomAD exomes below 0.00001 and 0.00002; ExAC 0.00002; gnomAD 0.00004; TOPMed 0.00006.
gnomAD v4.1: 11 of 1,614,038 alleles (0.00068%); highest among the groups gnomAD compares: African/African-American, 0.015%; no homozygotes.

Submissions (3):

Labcorp Genetics (formerly Invitae), Labcorp
Classification: Uncertain significance for Bardet-Biedl syndrome. Last evaluated: 2024-02-24. Review status: criteria provided, single submitter. Criteria: Invitae Variant Classification Sherloc (09022015). Collection method: clinical testing. Allele origin: germline.
Comment: This sequence change replaces phenylalanine, which is neutral and non-polar, with leucine, which is neutral and non-polar, at codon 92 of the BBS1 protein (p.Phe92Leu). This variant is present in population databases (rs778339359, gnomAD 0.03%). This variant has not been reported in the literature in individuals affected with BBS1-related conditions. ClinVar contains an entry for this variant (Variation ID: 1058044). Advanced modeling of protein sequence and biophysical properties (such as structural, functional, and spatial information, amino acid conservation, physicochemical variation, residue mobility, and thermodynamic stability) performed at Invitae indicates that this missense variant is not expected to disrupt BBS1 protein function with a negative predictive value of 80%. In summary, the available evidence is currently insufficient to determine the role of this variant in disease. Therefore, it has been classified as a Variant of Uncertain Significance.

PreventionGenetics, part of Exact Sciences
Classification: Uncertain significance for BBS1-related condition. Last evaluated: 2024-03-05. Review status: no assertion criteria provided. Collection method: clinical testing. Allele origin: germline. Not counted in ClinVar's aggregate classification.
Comment: The BBS1 c.274T>C variant is predicted to result in the amino acid substitution p.Phe92Leu. To our knowledge, this variant has not been reported in the literature. This variant is reported in 0.025% of alleles in individuals of African descent in gnomAD. At this time, the clinical significance of this variant is uncertain due to the absence of conclusive functional and genetic evidence.

Natera, Inc.
Classification: Uncertain significance for Bardet-Biedl syndrome type 1. Last evaluated: 2021-04-01. Review status: no assertion criteria provided. Collection method: clinical testing. Allele origin: germline. Not counted in ClinVar's aggregate classification.